The following is an entry in ClinVar:

NM_005141.4(FGB):c.130C>T (p.Arg44Cys)

Gene: FGB (fibrinogen beta chain; plus strand). Cytogenetic location: 4q31.3.
Variant type: single nucleotide variant.
Coding change: c.130C>T on transcript NM_005141.4; coding-DNA position 130, C replaced by T.
Protein change: p.Arg44Cys; replaces arginine 44 with cysteine.
Molecular consequence: missense variant (on NM_005141.5).
Genome position (GRCh38, 1-based): chr4:154,565,823, C>T. VCF-style: chr4-154565823-C-T. GRCh37 (hg19) VCF-style: chr4-155486975-C-T.
Other names: R14C; FIBRINOGEN SEATTLE 1; FIBRINOGEN IJmuiden; c.130C>T, p.Arg44Cys (NM_001184741.1, NM_001382759.1, NM_001382760.1 and 6 more transcripts); short protein forms R44C.
Identifiers: ClinVar variation 16382 (VCV000016382.12), dbSNP rs121909616, ClinGen allele CA126428.

ClinVar aggregate classification (germline): Pathogenic/Likely pathogenic. Review status: criteria provided, multiple submitters, no conflicts (2 of 4 stars). 5 submissions from 5 submitters: Pathogenic (1); Likely pathogenic (3). 1 of the submissions does not count toward it. Last evaluated 2025-07-30.

Conditions:
Familial dysfibrinogenemia. Also called: Dysfibrinogenemia, congenital. Identifiers: Orphanet 335, Orphanet 98881, MedGen C0272350, MONDO:0014452, OMIM 616004.
FIBRINOGEN CHRISTCHURCH 2.
Hypofibrinogenemia. Identifiers: MedGen C0553681, HP:0011900.

Submissions (5):

Variantyx, Inc.
Classification: Pathogenic for Familial dysfibrinogenemia. Last evaluated: 2025-07-30. Review status: criteria provided, single submitter. Criteria: Variantyx Assertion Criteria 2022. Collection method: clinical testing. Allele origin: de novo. Inheritance: Semidominant inheritance. Affected: yes.
Comment: This is a nonsynonymous variant in the FGB gene (OMIM: 134830). Pathogenic variants in this gene have been associated with autosomal semidominant congenital fibrinogen deficiency, a spectrum disorder that includes afibrinogenemia and hypofibrinogenemia (OMIM: 202400), which have been historically curated as autosomal recessive disorders, as well as dysfibrinogenemia and hypodysfibrinogenemia (OMIM: 616004), which have been considered the autosomal dominant forms of the disorder now tthought to be a single deficiency-related disorder spectrum. Legacy nomenclature has termed this variant as the IJmuiden variant, the Christchurch 2 variant, and the Seattle 1 variant, and it has been reported in many affected individuals (PMID: 31314131, 39805289, 1565641, 9423799, 10695765, 31064749) (PS4_Moderate). It has been observed to segregate with disease in families (PMID: 15670063, 10695765) (PP1). Functional studies have shown that this variant alters FGB protein function (PMID: 1565641, 10695765, 9423799) (PS3_Strong), but computational algorithms produce conflicting evidence regarding the predicted functional impact of this variant (REVEL score: 0.576). This variant lies within a well-established critical functional site of the FGB protein (PMID: 22384068) (PM1). Inheritance from an unaffected parent or a parent with unknown affected status has been reported, consistent with incomplete penetrance (PMID: 7740487, 23266225, 15670063). This variant is absent from control populations (PM2). Based on the current evidence, this variant is classified as pathogenic, with reduced penetrance, for autosomal semidominant congenital fibrinogen deficiency.

Mayo Clinic Laboratories, Mayo Clinic
Classification: Likely pathogenic. Last evaluated: 2023-12-19. Review status: criteria provided, single submitter. Criteria: ACMG Guidelines, 2015. Collection method: clinical testing. Allele origin: germline.
Comment: PM1, PM2_moderate, PS4_moderate

Centre of Medical Genetics, University Hospital Muenster
Classification: Likely pathogenic. Last evaluated: 2021-12-08. Review status: criteria provided, single submitter. Criteria: ACMG Guidelines, 2015. Collection method: clinical testing. Allele origin: unknown. Affected: yes. Observed: 1 variant allele, 1 heterozygote.
Comment: ACMG categories: PM2,PP3,PP4,PP5

NIHR Bioresource Rare Diseases, University of Cambridge
Classification: Likely pathogenic for Hypofibrinogenemia. Last evaluated: 2019-02-01. Review status: criteria provided, single submitter. Criteria: ACMG Guidelines, 2015. Collection method: research. Allele origin: unknown. Affected: yes. Observed: 1 heterozygote. Study: ThromboGenomics.

OMIM
Classification: other for FIBRINOGEN CHRISTCHURCH 2. Last evaluated: 2018-03-29. Review status: no assertion criteria provided. Collection method: literature only. Allele origin: germline. Not counted in ClinVar's aggregate classification.

Literature cited by the submitters: PubMed 1565641 (cited by Variantyx, Inc. and OMIM); PubMed 39805289 (cited by Variantyx, Inc.); PubMed 31314131 (cited by Variantyx, Inc.); PubMed 9423799 (cited by Variantyx, Inc.); PubMed 10695765 (cited by Variantyx, Inc.); PubMed 31064749 (cited by Variantyx, Inc. and NIHR Bioresource Rare Diseases, University of Cambridge); PubMed 22384068 (cited by Variantyx, Inc.); PubMed 15670063 (cited by Variantyx, Inc.); Kaudewitz, H., Henschen, A., Soria, C., Soria, J., Bertrand, O., Heaton, D. The molecular defect of the genetically abnormal fibrinogen Christchurch II. In: Muller-Berghaus, G., Scheefers-Borchel, V., Selmayr, E., Henschen, A. Fibrinogen and Its Derivatives. Amsterdam: Elsevier (pub.) 31-36, 1986. (cited by OMIM); Pirkle, H., Kaudewitz, H., Henschen, A., Theodor, I., Simmons, G. Substitution of B beta 14 arginine by cyst(e)ine in fibrinogen Seattle I. In: Lowe, G. D. O., Douglas, J. T., Forbes, C. D., Henschen, A. Fibrinogen 2. Biochemistry, Physiology and Clinical Relevance. Amsterdam: Elsevier (pub.) 49-52, 1987. (cited by OMIM); Lord, S. T. Personal Communication. 1992. Chapel Hill, N. C. (cited by OMIM).